The following is an entry in ClinVar:

ClinVar aggregate classification (germline): Uncertain significance (1 of 4 stars; one submission).

gnomAD v4.1: 2 of 1,613,068 alleles (0.00012%); highest among the groups gnomAD compares: Non-Finnish European, 0.00017%; no homozygotes.

Submission:

Mayo Clinic Laboratories, Mayo Clinic
Classification: Uncertain significance. Last evaluated: 2023-12-28. Review status: criteria provided, single submitter. Criteria: ACMG Guidelines, 2015. Collection method: clinical testing. Allele origin: germline. Observed: 1 variant allele.
Comment: BP4, PM2

NM_017612.5(ZCCHC8):c.1829A>T (p.Glu610Val)

Gene: ZCCHC8 (zinc finger CCHC-type containing 8; minus strand). Cytogenetic location: 12q24.31.
Variant type: single nucleotide variant.
Coding change: c.1829A>T on transcript NM_017612.5 (MANE Select); coding-DNA position 1829, A replaced by T.
Protein change: p.Glu610Val; replaces glutamic acid 610 with valine.
Molecular consequence: missense variant.
Genome position (GRCh38, 1-based): chr12:122,473,792, T>A on the plus strand (A>T on the coding strand, the complement: ZCCHC8 is on the minus strand). VCF-style: chr12-122473792-T-A. GRCh37 (hg19) VCF-style: chr12-122958339-T-A.
Other names: p.Glu610Val; c.1598A>T, p.Glu533Val (NM_001350935.2); c.1532A>T, p.Glu511Val (NM_001350936.2); c.1115A>T, p.Glu372Val (NM_001350937.2, NM_001350938.2); short protein forms E372V, E511V, E533V, E610V.
Identifiers: ClinVar variation 3380130 (VCV003380130.1).